The following is an entry in ClinVar:

ClinVar aggregate classification (germline): Uncertain significance (1 of 4 stars; one submission).

Submission:

GeneDx
Classification: Uncertain significance. Last evaluated: 2022-04-11. Review status: criteria provided, single submitter. Criteria: GeneDx Variant Classification Process June 2021. Collection method: clinical testing. Allele origin: germline. Affected: yes.
Comment: Not observed at significant frequency in large population cohorts (gnomAD); In silico analysis supports that this missense variant has a deleterious effect on protein structure/function; Has not been previously published as pathogenic or benign to our knowledge

NM_000965.5(RARB):c.880G>A (p.Gly294Arg)

Gene: RARB (retinoic acid receptor beta; plus strand). Cytogenetic location: 3p24.2.
Variant type: single nucleotide variant.
Coding change: c.880G>A on transcript NM_000965.5 (MANE Select); coding-DNA position 880, G replaced by A.
Protein change: p.Gly294Arg; replaces glycine 294 with arginine.
Molecular consequence: missense variant. On other transcripts: non-coding transcript variant (1), intron variant (1).
Genome position (GRCh38, 1-based): chr3:25,593,596, G>A. VCF-style: chr3-25593596-G-A. GRCh37 (hg19) VCF-style: chr3-25635087-G-A.
Other names: c.901G>A, p.Gly301Arg (NM_001290216.3); c.544G>A, p.Gly182Arg (NM_001290217.2, NM_001290276.2, NM_016152.4); c.733G>A, p.Gly245Arg (NM_001290266.2); c.751G>A, p.Gly251Arg (NM_001290300.2); c.787-45G>A (NM_001290277.1); short protein forms G182R, G245R, G251R, G294R, G301R.
Identifiers: ClinVar variation 1710862 (VCV001710862.2), dbSNP rs2529811812, ClinGen allele CA351886372.